The following is an entry in ClinVar:

NM_000404.4(GLB1):c.1997C>T (p.Pro666Leu)

Gene: GLB1 (galactosidase beta 1; minus strand). Cytogenetic location: 3p22.3.
Variant type: single nucleotide variant.
Coding change: c.1997C>T on transcript NM_000404.4 (MANE Select); coding-DNA position 1997, C replaced by T.
Protein change: p.Pro666Leu; replaces proline 666 with leucine.
Molecular consequence: missense variant. On other transcripts: intron variant (1).
Genome position (GRCh38, 1-based): chr3:32,997,082, G>A on the plus strand (C>T on the coding strand, the complement: GLB1 is on the minus strand). VCF-style: chr3-32997082-G-A. GRCh37 (hg19) VCF-style: chr3-33038574-G-A.
Other names: c.1907C>T, p.Pro636Leu (NM_001079811.3); c.1604C>T, p.Pro535Leu (NM_001135602.3); c.2141C>T, p.Pro714Leu (NM_001317040.2); c.1734+16974C>T (NM_001393580.1); short protein forms P535L, P636L, P714L, P666L.
Identifiers: ClinVar variation 1347335 (VCV001347335.4), dbSNP rs754538192, ClinGen allele CA2299261.

ClinVar aggregate classification (germline): Uncertain significance. Review status: criteria provided, multiple submitters, no conflicts (2 of 4 stars). 2 submissions from 2 submitters: Uncertain significance (2). Last evaluated 2022-09-07.

Conditions:
Mucopolysaccharidosis, MPS-IV-B (MPS4B). Also called: MORQUIO SYNDROME B; Mucopolysaccharidosis Type IVB (Morquio B Disease); Mucopolysaccharidosis type 4B; Mucopolysaccharidosis type IVB (Morquio); MPS IVB; Mucopolysaccharidosis type IV B. Identifiers: Orphanet 309310, Orphanet 582, MedGen C0086652, MONDO:0009660, OMIM 253010.
GM1 gangliosidosis. Identifiers: Orphanet 354, MedGen C0085131, MONDO:0018149.

Allele frequency attached by ClinVar (database versions not stated): ExAC 0.00009.
gnomAD v4.1: 35 of 1,613,944 alleles (0.0022%); highest among the groups gnomAD compares: East Asian, 0.0045%; no homozygotes.

Submissions (2):

Labcorp Genetics (formerly Invitae), Labcorp
Classification: Uncertain significance for Mucopolysaccharidosis, MPS-IV-B; GM1 gangliosidosis. Last evaluated: 2022-09-07. Review status: criteria provided, single submitter. Criteria: Invitae Variant Classification Sherloc (09022015). Collection method: clinical testing. Allele origin: germline.
Comment: This sequence change replaces proline, which is neutral and non-polar, with leucine, which is neutral and non-polar, at codon 666 of the GLB1 protein (p.Pro666Leu). This variant is present in population databases (rs754538192, gnomAD 0.007%). This variant has not been reported in the literature in individuals affected with GLB1-related conditions. ClinVar contains an entry for this variant (Variation ID: 1347335). Advanced modeling of protein sequence and biophysical properties (such as structural, functional, and spatial information, amino acid conservation, physicochemical variation, residue mobility, and thermodynamic stability) performed at Invitae indicates that this missense variant is not expected to disrupt GLB1 protein function. In summary, the available evidence is currently insufficient to determine the role of this variant in disease. Therefore, it has been classified as a Variant of Uncertain Significance.

Breakthrough Genomics
Classification: Uncertain significance. Review status: criteria provided, single submitter. Criteria: ACMG Guidelines, 2015. Collection method: not provided. Allele origin: germline. Inheritance: Autosomal recessive inheritance. Affected: yes.